The following is an entry in ClinVar:

NC_000009.12:g.35657869T>A

Gene: RMRP (RNA component of mitochondrial RNA processing endoribonuclease; minus strand). Cytogenetic location: 9p13.3.
Variant type: single nucleotide variant.
Genome position: GRCh38 VCF-style: chr9-35657869-T-A. GRCh37 (hg19) VCF-style: chr9-35657866-T-A.
Identifiers: ClinVar variation 2149656 (VCV002149656.1), dbSNP rs756285919, ClinGen allele CA464450693.
Genomic context (GRCh38, chr9:35,657,869, plus strand): 5'-AACTAGAGGGAGCTGACGGATGACGCCCCCGCGCCACGCCGCTCAGCGGGATACGCTTCT[T>A]GGCGGACTTTGGAGTGGGAAGCGGGGAATGTCTACGTGCGTATGCACGTGGCACTCTCTG-3'

ClinVar aggregate classification (germline): Uncertain significance (1 of 4 stars; one submission).

Conditions:
Anauxetic dysplasia. Identifiers: Orphanet 93347, MedGen C1846796, MONDO:0011773.

gnomAD v4.1: 2 of 693,386 alleles (0.00029%); highest among the groups gnomAD compares: Admixed American, 0.002%; no homozygotes.

Submission:

Labcorp Genetics (formerly Invitae), Labcorp
Classification: Uncertain significance for Anauxetic dysplasia. Last evaluated: 2021-02-02. Review status: criteria provided, single submitter. Criteria: Invitae Variant Classification Sherloc (09022015). Collection method: clinical testing. Allele origin: germline.
Comment: This variant occurs in the RMRP gene, which encodes an RNA molecule that does not result in a protein product. The frequency data for this variant in the population databases is considered unreliable, as metrics indicate insufficient coverage at this position in the ExAC database. This variant has not been reported in the literature in individuals with RMRP-related conditions. Experimental studies and prediction algorithms are not available or were not evaluated, and the functional significance of this variant is currently unknown. In summary, the available evidence is currently insufficient to determine the role of this variant in disease. Therefore, it has been classified as a Variant of Uncertain Significance.